The following is an entry in ClinVar:

ClinVar aggregate classification (germline): Likely benign. Review status: criteria provided, multiple submitters, no conflicts (2 of 4 stars). 2 submissions from 2 submitters: Likely benign (2). Last evaluated 2023-08-23.

Allele frequency attached by ClinVar (database versions not stated): gnomAD exomes 0.00015; 1000 Genomes Project 30x 0.00016; 1000 Genomes Project 0.00020; gnomAD 0.00026; TOPMed 0.00027; ExAC 0.00028; ESP Exome Variant Server 0.00031.
gnomAD v4.1: 446 of 1,578,536 alleles (0.028%); highest among the groups gnomAD compares: Non-Finnish European, 0.037%; 2 homozygotes.

Submissions (2):

Blueprint Genetics
Classification: Likely benign. Last evaluated: 2023-08-23. Review status: criteria provided, single submitter. Criteria: ACMG Guidelines, 2015. Collection method: clinical testing. Allele origin: germline.

GeneDx
Classification: Likely benign. Last evaluated: 2017-07-20. Review status: criteria provided, single submitter. Criteria: GeneDx Variant Classification (06012015). Collection method: clinical testing. Allele origin: germline. Affected: yes.
Comment: This variant is considered likely benign or benign based on one or more of the following criteria: it is a conservative change, it occurs at a poorly conserved position in the protein, it is predicted to be benign by multiple in silico algorithms, and/or has population frequency not consistent with disease.

NM_001371727.1(GABRB2):c.-18C>G

Gene: GABRB2 (gamma-aminobutyric acid type A receptor subunit beta2; minus strand). Cytogenetic location: 5q34.
Variant type: single nucleotide variant.
Coding change: c.-18C>G on transcript NM_001371727.1 (MANE Select); 18 bases upstream of the start codon, C replaced by G.
Molecular consequence: 5 prime UTR variant.
Genome position (GRCh38, 1-based): chr5:161,546,661, G>C on the plus strand (C>G on the coding strand, the complement: GABRB2 is on the minus strand). VCF-style: chr5-161546661-G-C. GRCh37 (hg19) VCF-style: chr5-160973667-G-C.
Other names: c.-18C>G (NM_000813.3, NM_021911.3).
Identifiers: ClinVar variation 507100 (VCV000507100.2), dbSNP rs148024574, ClinGen allele CA3543706.